The following is an entry in ClinVar:

ClinVar aggregate classification (germline): Uncertain significance (1 of 4 stars; one submission).

Submission:

Labcorp Genetics (formerly Invitae), Labcorp
Classification: Uncertain significance. Last evaluated: 2023-11-14. Review status: criteria provided, single submitter. Criteria: Invitae Variant Classification Sherloc (09022015). Collection method: clinical testing. Allele origin: germline.
Comment: This sequence change falls in intron 20 of the PIKFYVE gene. It does not directly change the encoded amino acid sequence of the PIKFYVE protein. It affects a nucleotide within the consensus splice site. This variant is not present in population databases (gnomAD no frequency). This variant has not been reported in the literature in individuals affected with PIKFYVE-related conditions. Variants that disrupt the consensus splice site are a relatively common cause of aberrant splicing (PMID: 17576681, 9536098). Algorithms developed to predict the effect of sequence changes on RNA splicing suggest that this variant is not likely to affect RNA splicing. In summary, the available evidence is currently insufficient to determine the role of this variant in disease. Therefore, it has been classified as a Variant of Uncertain Significance.

Literature cited by the submitters: PubMed 17576681; PubMed 9536098.

NM_015040.4(PIKFYVE):c.3618+3G>A

Gene: PIKFYVE (phosphoinositide kinase, FYVE-type zinc finger containing; plus strand). Cytogenetic location: 2q34.
Variant type: single nucleotide variant.
Coding change: c.3618+3G>A on transcript NM_015040.4 (MANE Select); 3 bases into the intron after coding-DNA position 3618, G replaced by A.
Molecular consequence: intron variant.
Genome position (GRCh38, 1-based): chr2:208,326,432, G>A. VCF-style: chr2-208326432-G-A. GRCh37 (hg19) VCF-style: chr2-209191156-G-A.
Identifiers: ClinVar variation 2879912 (VCV002879912.3), dbSNP rs2470322809, ClinGen allele CA2577226707.